The following is an entry in ClinVar:

ClinVar aggregate classification (germline): Uncertain significance. Review status: criteria provided, multiple submitters, no conflicts (2 of 4 stars). 2 submissions from 2 submitters: Uncertain significance (2). Last evaluated 2026-04-01.

Conditions:
Cystic fibrosis (CF). Also called: MUCOVISCIDOSIS. Identifiers: Orphanet 586, MedGen C0010674, MONDO:0009061, OMIM 219700. Disease mechanism: loss of function.

Allele frequency attached by ClinVar (database versions not stated): TOPMed 0.00001; gnomAD 0.00001.
gnomAD v4.1: 1 of 1,613,356 alleles (0.000062%); highest among the groups gnomAD compares: Non-Finnish European, 0.000085%; no homozygotes.

Submissions (2):

Women's Health and Genetics/Laboratory Corporation of America, LabCorp
Classification: Uncertain significance. Last evaluated: 2026-04-01. Review status: criteria provided, single submitter. Criteria: LabCorp Variant Classification Summary - May 2015. Collection method: clinical testing. Allele origin: germline.
Comment: Variant summary: CFTR c.3125A>G (p.Gln1042Arg) results in a conservative amino acid change in the encoded protein sequence. Algorithms developed to predict the effect of missense changes on protein structure and function are either unavailable or do not agree on the potential impact of this missense change. The variant was absent in 250866 control chromosomes. The available data on variant occurrences in the general population are insufficient to allow any conclusion about variant significance. c.3125A>G has been observed in individual(s) affected with idiopathic chronic pancreatitis and COPD (Saferali_2022 and Sinha_2022). These report(s) do not provide unequivocal conclusions about association of the variant with Cystic Fibrosis. To our knowledge, no experimental evidence demonstrating an impact on protein function has been reported. The following publications have been ascertained in the context of this evaluation (PMID: 34996830, 24326373). ClinVar contains an entry for this variant (Variation ID: 2496643). Based on the evidence outlined above, the variant was classified as uncertain significance.

Ambry Genetics
Classification: Uncertain significance for Cystic fibrosis. Last evaluated: 2025-11-03. Review status: criteria provided, single submitter. Criteria: Ambry Variant Classification Scheme 2023. Collection method: clinical testing. Allele origin: germline.

Literature cited by the submitters: PubMed 34996830 (cited by Women's Health and Genetics/Laboratory Corporation of America, LabCorp); PubMed 24326373 (cited by Women's Health and Genetics/Laboratory Corporation of America, LabCorp).

NM_000492.4(CFTR):c.3125A>G (p.Gln1042Arg)

Genes: CFTR (CF transmembrane conductance regulator; plus strand), CFTR-AS2 (CFTR antisense RNA 2; minus strand), LOC111674472 (DNase I hypersensitive sites in introns 16 and 17a of CFTR; plus strand). Cytogenetic location: 7q31.2.
Variant type: single nucleotide variant.
Coding change: c.3125A>G on transcript NM_000492.4 (MANE Select); coding-DNA position 3125, A replaced by G.
Protein change: p.Gln1042Arg; replaces glutamine 1042 with arginine.
Molecular consequence: missense variant.
Genome position (GRCh38, 1-based): chr7:117,610,655, A>G. VCF-style: chr7-117610655-A-G. GRCh37 (hg19) VCF-style: chr7-117250709-A-G.
Other names: short protein forms Q1042R.
Identifiers: ClinVar variation 2496643 (VCV002496643.4), dbSNP rs1268860788, ClinGen allele CA368990836.